The following is an entry in ClinVar:

ClinVar aggregate classification (germline): Likely benign. Review status: criteria provided, multiple submitters, no conflicts (2 of 4 stars). 2 submissions from 2 submitters: Likely benign (2). Last evaluated 2024-12-10.

Allele frequency attached by ClinVar (database versions not stated): gnomAD 0.00001; gnomAD exomes 0.00001; TOPMed 0.00002.
gnomAD v4.1: 10 of 1,613,908 alleles (0.00062%); highest among the groups gnomAD compares: Admixed American, 0.0067%; no homozygotes.

Submissions (2):

Women's Health and Genetics/Laboratory Corporation of America, LabCorp
Classification: Likely benign. Last evaluated: 2024-12-10. Review status: criteria provided, single submitter. Criteria: LabCorp Variant Classification Summary - May 2015. Collection method: clinical testing. Allele origin: germline.
Comment: Variant summary: ANO6 c.1710A>G alters a conserved nucleotide resulting in a synonymous change. Consensus agreement among computation tools predict no significant impact on normal splicing. However, these predictions have yet to be confirmed by functional studies. The variant allele was found at a frequency of 1.2e-05 in 251230 control chromosomes. The available data on variant occurrences in the general population are insufficient to allow any conclusion about variant significance. To our knowledge, no occurrence of c.1710A>G in individuals affected with Scott Syndrome and no experimental evidence demonstrating its impact on protein function have been reported. ClinVar contains an entry for this variant (Variation ID: 2973181). Based on the evidence outlined above, the variant was classified as likely benign.

Labcorp Genetics (formerly Invitae), Labcorp
Classification: Likely benign. Last evaluated: 2024-11-04. Review status: criteria provided, single submitter. Criteria: Invitae Variant Classification Sherloc (09022015). Collection method: clinical testing. Allele origin: germline.

NM_001025356.3(ANO6):c.1710A>G (p.Ala570=)

Gene: ANO6 (anoctamin 6; plus strand). Cytogenetic location: 12q12.
Variant type: single nucleotide variant.
Coding change: c.1710A>G on transcript NM_001025356.3 (MANE Select); coding-DNA position 1710, A replaced by G.
Protein change: p.Ala570=; no amino-acid change (alanine 570 retained).
Molecular consequence: synonymous variant.
Genome position (GRCh38, 1-based): chr12:45,403,169, A>G. VCF-style: chr12-45403169-A-G. GRCh37 (hg19) VCF-style: chr12-45796952-A-G.
Other names: c.1656A>G, p.Ala552= (NM_001142678.2); c.1710A>G, p.Ala570= (NM_001142679.2); c.1773A>G, p.Ala591= (NM_001204803.2); c.1677A>G, p.Ala559= (NM_001410973.1).
Identifiers: ClinVar variation 2973181 (VCV002973181.4), dbSNP rs1377080638, ClinGen allele CA479401624.